The following is an entry in ClinVar:

NM_015335.5(MED13L):c.2590A>T (p.Met864Leu)

Gene: MED13L (mediator complex subunit 13L; minus strand). Cytogenetic location: 12q24.21.
Variant type: single nucleotide variant.
Coding change: c.2590A>T on transcript NM_015335.5 (MANE Select); coding-DNA position 2590, A replaced by T.
Protein change: p.Met864Leu; replaces methionine 864 with leucine.
Molecular consequence: missense variant.
Genome position (GRCh38, 1-based): chr12:115,997,210, T>A on the plus strand (A>T on the coding strand, the complement: MED13L is on the minus strand). VCF-style: chr12-115997210-T-A. GRCh37 (hg19) VCF-style: chr12-116435015-T-A.
Other names: short protein forms M864L.
Identifiers: ClinVar variation 265523 (VCV000265523.6), dbSNP rs886039599, ClinGen allele CA10588542.

ClinVar aggregate classification (germline): Conflicting classifications of pathogenicity. Review status: criteria provided, conflicting classifications (1 of 4 stars). 3 submissions from 3 submitters: Pathogenic (2); Uncertain significance (1). Last evaluated 2022-01-31.

Conditions:
Cardiac anomalies - developmental delay - facial dysmorphism syndrome (MRFACD). Also called: MED13L Syndrome; Impaired intellectual development and distinctive facial features with or without cardiac defects. Identifiers: Orphanet 369891, MedGen C5192431, MONDO:0014773, OMIM 616789.

Submissions (3):

Revvity Omics, Revvity
Classification: Uncertain significance for Cardiac anomalies - developmental delay - facial dysmorphism syndrome. Last evaluated: 2022-01-31. Review status: criteria provided, single submitter. Criteria: ACMG Guidelines, 2015. Collection method: clinical testing. Allele origin: germline.

Equipe Genetique des Anomalies du Developpement, Université de Bourgogne
Classification: Pathogenic for Cardiac anomalies - developmental delay - facial dysmorphism syndrome. Last evaluated: 2021-10-18. Review status: criteria provided, single submitter. Criteria: ACMG Guidelines, 2015. Collection method: clinical testing. Allele origin: de novo. Affected: yes.

GeneDx
Classification: Pathogenic. Last evaluated: 2018-01-03. Review status: criteria provided, single submitter. Criteria: GeneDx Variant Classification (06012015). Collection method: clinical testing. Allele origin: germline. Affected: yes.
Comment: The M864L variant in the MED13L gene has not been reported previously as a pathogenic variant nor as a benign variant, to our knowledge. This variant is not observed in large population cohorts (Lek et al., 2016). The M864L variant is a conservative amino acid substitution, which is not likely to impact secondary protein structure as these residues share similar properties. However, in-silico analyses, including protein predictors and evolutionary conservation, support a deleterious effect. Missense variants in nearby residues have been reported in the published literature (D860G) and in patients with facial dysmorphism and developmental delay or intellectual disability undergoing testing at GeneDx (P866L, P869T, P869S), supporting the functional importance of this region of the protein (Gilissen et al., 2014; Asadollahi et al., 2017). We interpret M864L as a pathogenic variant.